The following is an entry in ClinVar:

NM_152564.5(VPS13B):c.3150A>G (p.Glu1050=)

Gene: VPS13B (vacuolar protein sorting 13 homolog B; plus strand). Cytogenetic location: 8q22.2.
Variant type: single nucleotide variant.
Coding change: c.3150A>G on transcript NM_152564.5 (MANE Select); coding-DNA position 3150, A replaced by G.
Protein change: p.Glu1050=; no amino-acid change (glutamic acid 1050 retained).
Molecular consequence: synonymous variant.
Genome position (GRCh38, 1-based): chr8:99,431,604, A>G. VCF-style: chr8-99431604-A-G. GRCh37 (hg19) VCF-style: chr8-100443832-A-G.
Other names: c.3150A>G, p.Glu1050= (NM_017890.5); c.3150A>G (NM_152564.4).
Identifiers: ClinVar variation 1094024 (VCV001094024.11), dbSNP rs144920754, ClinGen allele CA4823179.
Genomic context (GRCh38, chr8:99,431,604, plus strand): 5'-CCCATTGTCAGTTCCTGTTAAAGCCATGTTGAATATATCTGAAAGCTGTAGAAGTCCTGA[A>G]GAAAGAATGAAGGAATTTATTGGAATTGTTTGGAATGCAGTGAAGCATCTCACACTACAG-3'
Protein context (NP_689777.3, residues 1040-1060): LNISESCRSP[Glu1050=]ERMKEFIGIV

ClinVar aggregate classification (germline): Likely benign. Review status: criteria provided, single submitter (1 of 4 stars). 2 submissions from 2 submitters: Likely benign (1). 1 of the submissions does not count toward it. Last evaluated 2025-03-19.

Conditions:
Cohen syndrome (COH1). Also called: Cutis verticis gyrata, retinitis pigmentosa, and sensorineural deafness; PEPPER SYNDROME. Identifiers: Orphanet 193, MedGen C0265223, MONDO:0008999, OMIM 216550.
VPS13B-related disorder. Also called: VPS13B-related condition.

Allele frequency attached by ClinVar (database versions not stated): ExAC 0.00001; gnomAD exomes 0.00002; gnomAD 0.00008 and 0.00009; TOPMed 0.00011; ESP Exome Variant Server 0.00015.
gnomAD v4.1: 23 of 1,613,430 alleles (0.0014%); highest among the groups gnomAD compares: African/African-American, 0.025%; no homozygotes.

Submissions (2):

Labcorp Genetics (formerly Invitae), Labcorp
Classification: Likely benign for Cohen syndrome. Last evaluated: 2025-03-19. Review status: criteria provided, single submitter. Criteria: Invitae Variant Classification Sherloc (09022015). Collection method: clinical testing. Allele origin: germline.

PreventionGenetics, part of Exact Sciences
Classification: Likely benign for VPS13B-related condition. Last evaluated: 2022-06-03. Review status: no assertion criteria provided. Collection method: clinical testing. Allele origin: germline. Not counted in ClinVar's aggregate classification.
Comment: This variant is classified as likely benign based on ACMG/AMP sequence variant interpretation guidelines (Richards et al. 2015 PMID: 25741868, with internal and published modifications).